The following is an entry in ClinVar:

ClinVar aggregate classification (germline): Conflicting classifications of pathogenicity. Review status: criteria provided, conflicting classifications (1 of 4 stars). 10 submissions from 10 submitters: Uncertain significance (7); Benign (1); Likely benign (2). Last evaluated 2026-01-27.

Conditions:
BAP1-related disorder. Also called: BAP1-related condition.
BAP1-related tumor predisposition syndrome (TPDS1). Also called: Tumor susceptibility linked to germline BAP1 mutations; COMMON Syndrome; BAP1 tumor predisposition syndrome; TUMOR PREDISPOSITION SYNDROME 1. Identifiers: Orphanet 289539, MedGen C3280492, MONDO:0013692, OMIM 614327.
Kury-Isidor syndrome (KURIS). Identifiers: MedGen C5676925, MONDO:0859230, OMIM 619762.
Hereditary cancer-predisposing syndrome. Also called: Neoplastic Syndromes, Hereditary; Hereditary Cancer Syndrome; Tumor predisposition; Hereditary neoplastic syndrome. Identifiers: Orphanet 140162, MedGen C0027672, MeSH D009386, MONDO:0015356.

Submissions (10):

Labcorp Genetics (formerly Invitae), Labcorp
Classification: Uncertain significance for BAP1-related tumor predisposition syndrome. Last evaluated: 2026-01-27. Review status: criteria provided, single submitter. Criteria: Invitae Variant Classification Sherloc (09022015). Collection method: clinical testing. Allele origin: germline.
Comment: This sequence change replaces tyrosine, which is neutral and polar, with glutamic acid, which is acidic and polar, at codon 401 of the BAP1 protein (p.Tyr401Glu). Information on the frequency of this variant in the gnomAD database is not available, as this variant may be reported differently in the database. This variant has not been reported in the literature in individuals affected with BAP1-related conditions. ClinVar contains an entry for this variant (Variation ID: 485287) Invitae Evidence Modeling of protein sequence and biophysical properties (such as structural, functional, and spatial information, amino acid conservation, physicochemical variation, residue mobility, and thermodynamic stability) indicates that this missense variant is not expected to disrupt BAP1 protein function with a negative predictive value of 80%. Experimental studies have shown that this missense change does not substantially affect BAP1 function (PMID: 28062663). In summary, the available evidence is currently insufficient to determine the role of this variant in disease. Therefore, it has been classified as a Variant of Uncertain Significance.

Color Diagnostics, LLC DBA Color Health
Classification: Likely benign for Hereditary cancer-predisposing syndrome. Last evaluated: 2025-11-06. Review status: criteria provided, single submitter. Criteria: ACMG Guidelines, 2015. Collection method: clinical testing. Allele origin: germline.

PreventionGenetics, part of Exact Sciences
Classification: Uncertain significance for BAP1-related condition. Last evaluated: 2025-06-24. Review status: criteria provided, single submitter. Criteria: ACMG Guidelines, 2015. Collection method: clinical testing. Allele origin: germline.
Comment: The BAP1 c.1201_1203delinsGAG variant is predicted to result in an in-frame deletion and insertion. This variant was reported in one control sample in a melanoma case-control study (reported as Y401E in Table 1, O'Shea et al. 2017. PubMed ID: 28062663). This specific variant is absent from a large population database (gnomAD). However, the c.1201_1203delinsGAG variant could also be described separately as c.1201T>G and c.1203T>G, both of which are present in gnomAD and reported at a frequency of 0.040% of alleles in individuals of Latino descent. Based on the gnomAD data, the c.1201T>G and c.1203T>G variants likely co-occur on the same haplotype. Functional studies demonstrated deubiquitinase activity comparable to wild type indicating no damaging effect (O'Shea et al. 2017. PubMed ID: 28062663). This variant is interpreted as a variant of uncertain significance in ClinVar. While we suspect that this variant may be benign, at this time its clinical significance is uncertain due to the absence of conclusive functional and genetic evidence.

Dasa
Classification: Uncertain significance. Last evaluated: 2025-03-23. Review status: criteria provided, single submitter. Criteria: DASA Assertion Criteria. Collection method: clinical testing. Allele origin: germline.
Comment: NM_004656.4(BAP1):c.1201_1203delinsGAG (p.Tyr401Glu) is an in-frame insertion/deletion-insertion predicted to alter the protein sequence without shifting the reading frame. This variant is absent from population databases. The currently available literature and clinical evidence are not sufficient to establish a definitive association between this variant and the reported condition. Therefore, this variant is classified as a variant of uncertain significance.

Ambry Genetics
Classification: Benign for Hereditary cancer-predisposing syndrome. Last evaluated: 2025-03-10. Review status: criteria provided, single submitter. Criteria: Ambry Variant Classification Scheme 2023. Collection method: clinical testing. Allele origin: germline.

Quest Diagnostics Nichols Institute San Juan Capistrano
Classification: Uncertain significance. Last evaluated: 2025-02-28. Review status: criteria provided, single submitter. Criteria: Quest Diagnostics criteria. Collection method: clinical testing. Allele origin: unknown.
Comment: The BAP1 c.1201_1203delinsGAG (p.Tyr401Glu) variant has been reported in a reportedly healthy individual (PMID: 28062663 (2017)). This variant has also been reported in a cohort of breast cancer patients and reportedly healthy individuals (PMID: 30039884 (2018)). The frequency of this variant in the general population (Genome Aggregation Database) is uninformative in the assessment of its pathogenicity. Analysis of this variant using bioinformatics tools for the prediction of the effect of amino acid changes on protein structure and function yielded predictions that this variant is benign. Based on the available information, we are unable to determine the clinical significance of this variant.

Myriad Genetics, Inc.
Classification: Likely benign for BAP1-related tumor predisposition syndrome. Last evaluated: 2024-07-15. Review status: criteria provided, single submitter. Criteria: Myriad Autosomal Dominant, Autosomal Recessive and X-Linked Classification Criteria (2023). Collection method: clinical testing. Allele origin: unknown.
Comment: This variant is considered likely benign. Homozygosity has been confirmed in one or more individuals. As homozygosity for pathogenic variants in this gene is generally assumed to result in embryonic lethality, this variant is unlikely to be pathogenic.

GeneDx
Classification: Uncertain significance. Last evaluated: 2024-03-06. Review status: criteria provided, single submitter. Criteria: GeneDx Variant Classification Process June 2021. Collection method: clinical testing. Allele origin: germline. Affected: yes.
Comment: Observed in a healthy control, but absent from cases, in a melanoma case-control study (PMID: 28062663); Published functional studies demonstrate no damaging effect: deubiquitinase activity comparable to wild-type (PMID: 28062663); In silico analysis supports that this variant does not alter protein structure/function; This variant is associated with the following publications: (PMID: 29761599, 30039884, 23056405, 28062663)

Fulgent Genetics
Classification: Uncertain significance for BAP1-related tumor predisposition syndrome; Kury-Isidor syndrome. Last evaluated: 2022-02-07. Review status: criteria provided, single submitter. Criteria: ACMG Guidelines, 2015. Collection method: clinical testing. Allele origin: unknown.

Revvity Omics, Revvity
Classification: Uncertain significance. Last evaluated: 2019-06-19. Review status: criteria provided, single submitter. Criteria: ACMG Guidelines, 2015. Collection method: clinical testing. Allele origin: germline.

Literature cited by the submitters: PubMed 28062663 (cited by 3 submitters); PubMed 38969833 (cited by Ambry Genetics); PubMed 30039884 (cited by Quest Diagnostics Nichols Institute San Juan Capistrano); PubMed 29761599 (cited by Quest Diagnostics Nichols Institute San Juan Capistrano).

NM_004656.4(BAP1):c.1201_1203delinsGAG (p.Tyr401Glu)

Gene: BAP1 (BRCA1 associated deubiquitinase 1; minus strand). Cytogenetic location: 3p21.1.
Variant type: Indel.
Coding change: c.1201_1203delinsGAG on transcript NM_004656.4 (MANE Select); coding-DNA positions 1201 to 1203, TAT replaced by GAG.
Protein change: p.Tyr401Glu; replaces tyrosine 401 with glutamic acid.
Molecular consequence: missense variant.
Genome position (GRCh38, 1-based): chr3:52,404,500-52,404,502, ATA replaced by CTC on the plus strand (TAT replaced by GAG on the coding strand, the reverse complement: BAP1 is on the minus strand). VCF-style: chr3-52404500-ATA-CTC. GRCh37 (hg19) VCF-style: chr3-52438516-ATA-CTC.
Other names: c.1201_1203delTATinsGAG (NM_004656.3, LRG_529t1); short protein forms Y401E.
Identifiers: ClinVar variation 485287 (VCV000485287.31), dbSNP rs1553645128, ClinGen allele CA658657310.